The following is an entry in ClinVar:

NM_001005242.3(PKP2):c.1058_1059del (p.Leu353fs)

Gene: PKP2 (plakophilin 2; minus strand). Cytogenetic location: 12p11.21.
Variant type: Deletion.
Coding change: c.1058_1059del on transcript NM_001005242.3 (MANE Select); coding-DNA positions 1058 to 1059, 2 bases deleted (TG; older notation c.1058_1059delTG).
Protein change: p.Leu353fs; shifts the reading frame from leucine 353.
Molecular consequence: frameshift variant.
Genome position (GRCh38, 1-based): chr12:32,869,038-32,869,039, CA deleted on the plus strand (TG on the coding strand, the reverse complement: PKP2 is on the minus strand). VCF-style (leftmost placement, unchanged base first): chr12-32869037-CCA-C. GRCh37 (hg19) VCF-style: chr12-33021971-CCA-C.
Other names: c.1058_1059delTG, p.Leu353Argfs (NM_001407155.1, NM_001407156.1, NM_001407157.1 and 1 more transcripts); c.731_732delTG, p.Leu244Argfs (NM_001407158.1, NM_001407159.1, NM_001407160.1 and 1 more transcripts); c.1058_1059del, p.Leu353fs (NM_004572.4); short protein forms L353fs.
Identifiers: ClinVar variation 1709434 (VCV001709434.2), dbSNP rs2541322583, ClinGen allele CA2580085393.

ClinVar aggregate classification (germline): Likely pathogenic (1 of 4 stars; one submission).

Conditions:
Arrhythmogenic right ventricular dysplasia 9 (ARVD9). Also called: ARRHYTHMOGENIC RIGHT VENTRICULAR DYSPLASIA, FAMILIAL, 9; Arrhythmogenic Right Ventricular Dysplasia/Cardiomyopathy 9. Identifiers: MedGen C1836906, MONDO:0012180, OMIM 609040.

Submission:

MGZ Medical Genetics Center
Classification: Likely pathogenic for Arrhythmogenic right ventricular dysplasia 9. Last evaluated: 2022-04-29. Review status: criteria provided, single submitter. Criteria: ACMG Guidelines, 2015. Collection method: clinical testing. Allele origin: germline. Affected: yes. Observed: 1 variant allele.
Comment: ACMG criteria applied: PVS1, PM2_SUP